The following is an entry in ClinVar:

NM_025114.4(CEP290):c.794A>G (p.His265Arg)

Gene: CEP290 (centrosomal protein 290; minus strand). Cytogenetic location: 12q21.32.
Variant type: single nucleotide variant.
Coding change: c.794A>G on transcript NM_025114.4 (MANE Select); coding-DNA position 794, A replaced by G.
Protein change: p.His265Arg; replaces histidine 265 with arginine.
Molecular consequence: missense variant.
Genome position (GRCh38, 1-based): chr12:88,129,752, T>C on the plus strand (A>G on the coding strand, the complement: CEP290 is on the minus strand). VCF-style: chr12-88129752-T-C. GRCh37 (hg19) VCF-style: chr12-88523529-T-C.
Other names: short protein forms H265R.
Identifiers: ClinVar variation 1009496 (VCV001009496.6), dbSNP rs902444632, ClinGen allele CA385984475.

ClinVar aggregate classification (germline): Uncertain significance (1 of 4 stars; one submission).

Conditions:
Joubert syndrome. Also called: Familial aplasia of the vermis; CEREBELLOPARENCHYMAL DISORDER IV; JOUBERT-BOLTSHAUSER SYNDROME. Identifiers: Orphanet 475, MedGen C5979921, MONDO:0018772.
Meckel-Gruber syndrome. Also called: Dysencephalia splachnocystica; DYSENCEPHALIA SPLANCHNOCYSTICA; GRUBER SYNDROME. Identifiers: Orphanet 564, MedGen C0265215, MONDO:0018921.
Nephronophthisis. Also called: Juvenile Nephronophthisis. Identifiers: Orphanet 655, MedGen C0687120, MONDO:0019005, HP:0000090.

Allele frequency attached by ClinVar (database versions not stated): TOPMed below 0.00001.
gnomAD v4.1: 1 of 1,489,380 alleles (0.000067%); no homozygotes.

Submission:

Labcorp Genetics (formerly Invitae), Labcorp
Classification: Uncertain significance for Joubert syndrome; Meckel-Gruber syndrome; Nephronophthisis. Last evaluated: 2022-09-12. Review status: criteria provided, single submitter. Criteria: Invitae Variant Classification Sherloc (09022015). Collection method: clinical testing. Allele origin: germline.
Comment: This sequence change replaces histidine, which is basic and polar, with arginine, which is basic and polar, at codon 265 of the CEP290 protein (p.His265Arg). This variant is not present in population databases (gnomAD no frequency). This variant has not been reported in the literature in individuals affected with CEP290-related conditions. ClinVar contains an entry for this variant (Variation ID: 1009496). Advanced modeling of protein sequence and biophysical properties (such as structural, functional, and spatial information, amino acid conservation, physicochemical variation, residue mobility, and thermodynamic stability) performed at Invitae indicates that this missense variant is not expected to disrupt CEP290 protein function. In summary, the available evidence is currently insufficient to determine the role of this variant in disease. Therefore, it has been classified as a Variant of Uncertain Significance.